The following is an entry in ClinVar:

NM_000400.4(ERCC2):c.1972C>T (p.Arg658Cys)

Gene: ERCC2 (ERCC excision repair 2, TFIIH core complex helicase subunit; minus strand). Cytogenetic location: 19q13.32.
Variant type: single nucleotide variant.
Coding change: c.1972C>T on transcript NM_000400.4 (MANE Select); coding-DNA position 1972, C replaced by T.
Protein change: p.Arg658Cys; replaces arginine 658 with cysteine.
Molecular consequence: missense variant.
Genome position (GRCh38, 1-based): chr19:45,352,580, G>A on the plus strand (C>T on the coding strand, the complement: ERCC2 is on the minus strand). VCF-style: chr19-45352580-G-A. GRCh37 (hg19) VCF-style: chr19-45855838-G-A.
Other names: short protein forms R658C.
Identifiers: ClinVar variation 16785 (VCV000016785.18), dbSNP rs121913021, ClinGen allele CA126885.

ClinVar aggregate classification (germline): Pathogenic/Likely pathogenic. Review status: criteria provided, multiple submitters, no conflicts (2 of 4 stars). 9 submissions from 9 submitters: Pathogenic (4); Likely pathogenic (4). 1 of the submissions does not count toward it. Last evaluated 2026-01-20.

Conditions:
Trichothiodystrophy 1, photosensitive (TTD1). Also called: TAY SYNDROME; TRICHOTHIODYSTROPHY WITH CONGENITAL ICHTHYOSIS; PIBIDS SYNDROME. Identifiers: Orphanet 33364, MedGen C1866504, MONDO:0011125, OMIM 601675.
Cerebrooculofacioskeletal syndrome 2 (COFS2). Identifiers: MedGen C1853102, MONDO:0012553, OMIM 610756.
Xeroderma pigmentosum, group D (XPD). Also called: ERCC2-Related Xeroderma Pigmentosum; XERODERMA PIGMENTOSUM IV; XP, GROUP D; XP, GROUP H; XERODERMA PIGMENTOSUM, COMPLEMENTATION GROUP D. Identifiers: MedGen C0268138, MONDO:0010212, OMIM 278730.
Ovarian cancer. Also called: OVARIAN CANCER, SOMATIC. Identifiers: Orphanet 213500, MedGen C1140680, MONDO:0008170, OMIM 167000.
ERCC2-related disorder. Also called: ERCC2-related conditions; ERCC2-related condition; ERCC2-related disorders. Identifiers: MedGen CN239291.

Allele frequency attached by ClinVar (database versions not stated): ExAC 0.00002; gnomAD exomes 0.00003; gnomAD 0.00004; TOPMed 0.00006.
gnomAD v4.1: 49 of 1,614,044 alleles (0.003%); highest among the groups gnomAD compares: Middle Eastern, 0.016%; no homozygotes.

Submissions (9):

Labcorp Genetics (formerly Invitae), Labcorp
Classification: Pathogenic. Last evaluated: 2026-01-20. Review status: criteria provided, single submitter. Criteria: Invitae Variant Classification Sherloc (09022015). Collection method: clinical testing. Allele origin: germline.
Comment: This sequence change replaces arginine, which is basic and polar, with cysteine, which is neutral and slightly polar, at codon 658 of the ERCC2 protein (p.Arg658Cys). This variant is present in population databases (rs121913021, gnomAD 0.01%). This missense change has been observed in individual(s) with clinical features of ERCC2-related conditions and/or trichothiodystrophy (PMID: 8571952, 11242112, 35599849; internal data). In at least one individual the data is consistent with being in trans (on the opposite chromosome) from a pathogenic variant. ClinVar contains an entry for this variant (Variation ID: 16785). Invitae Evidence Modeling of protein sequence and biophysical properties (such as structural, functional, and spatial information, amino acid conservation, physicochemical variation, residue mobility, and thermodynamic stability) indicates that this missense variant is expected to disrupt ERCC2 protein function with a positive predictive value of 80%. Experimental studies have shown that this missense change affects ERCC2 function (PMID: 12820975, 25431422). This variant disrupts the p.Arg658 amino acid residue in ERCC2. Other variant(s) that disrupt this residue have been determined to be pathogenic (PMID: 8571952, 9238033, 11585917, 12820975, 25431422). This suggests that this residue is clinically significant, and that variants that disrupt this residue are likely to be disease-causing. For these reasons, this variant has been classified as Pathogenic.

GeneDx
Classification: Pathogenic. Last evaluated: 2025-04-24. Review status: criteria provided, single submitter. Criteria: GeneDx Variant Classification Process June 2021. Collection method: clinical testing. Allele origin: germline. Affected: yes.
Comment: Published functional studies demonstrate R658C prevents interaction with p44, disturbs TFIIH composition, and exhibits no detectable helicase activity (PMID: 12820975); In silico analysis supports that this missense variant has a deleterious effect on protein structure/function; This variant is associated with the following publications: (PMID: 25431422, 11335038, 8571952, 28724667, 11242112, 26971583, 27982466, 31589614, 35599849, 12820975)

Blueprint Genetics
Classification: Likely pathogenic for ERCC2-related disorders. Last evaluated: 2024-06-25. Review status: criteria provided, single submitter. Criteria: ACMG Guidelines, 2015. Collection method: clinical testing. Allele origin: germline. Affected: yes. Observed: 3 variant alleles.

3billion
Classification: Pathogenic for Trichothiodystrophy 1, photosensitive. Last evaluated: 2024-06-21. Review status: criteria provided, single submitter. Criteria: ACMG Guidelines, 2015. Collection method: clinical testing. Allele origin: germline. Affected: yes.
Comment: The variant is observed at an extremely low frequency in the gnomAD v4.0.0 dataset (total allele frequency: 0.003%). Predicted Consequence/Location: The majority of the known disease-causing variants of this gene are variants expected to result in premature termination of the protein. In silico tool predictions suggest damaging effect of the variant on gene or gene product [REVEL: 0.90 (>=0.6, sensitivity 0.68 and specificity 0.92); 3Cnet: 0.90 (>=0.6, sensitivity 0.72 and precision 0.9)]. The same nucleotide change resulting in the same amino acid change has been previously reported as pathogenic/likely pathogenic with strong evidence (ClinVar ID: VCV000016785 /PMID: 8571952). The variant has been reported to be in trans with a pathogenic variant as either compound heterozygous or homozygous in at least one similarly affected unrelated individual (3billion dataset). Different missense changes at the same codon (p.Arg658Gly, p.Arg658His) have been reported as pathogenic/likely pathogenic with strong evidence (ClinVar ID: VCV001329484, VCV001499293 /PMID: 11734544, 8571952). Therefore, this variant is classified as Pathogenic according to the recommendation of ACMG/AMP guideline.

Baylor Genetics
Classification: Likely pathogenic for Cerebrooculofacioskeletal syndrome 2. Last evaluated: 2024-03-24. Review status: criteria provided, single submitter. Criteria: ACMG Guidelines, 2015. Collection method: clinical testing. Allele origin: unknown.

Fulgent Genetics
Classification: Likely pathogenic for Xeroderma pigmentosum, group D; Trichothiodystrophy 1, photosensitive; Cerebrooculofacioskeletal syndrome 2. Last evaluated: 2024-03-11. Review status: criteria provided, single submitter. Criteria: ACMG Guidelines, 2015. Collection method: clinical testing. Allele origin: germline.

Greenwood Genetic Center Diagnostic Laboratories, Greenwood Genetic Center
Classification: Pathogenic for Trichothiodystrophy 1, photosensitive. Last evaluated: 2022-07-20. Review status: criteria provided, single submitter. Criteria: ACMG Guidelines, 2015. Collection method: clinical testing. Allele origin: germline. Affected: yes.
Comment: PS3 PM3_Strong PM2

Laboratory of Molecular Epidemiology of Birth Defects, West China Second University Hospital, Sichuan University
Classification: Likely pathogenic for Ovarian cancer. Last evaluated: 2022-01-01. Review status: criteria provided, single submitter. Criteria: ACMG Guidelines, 2015. Collection method: clinical testing. Allele origin: germline. Affected: yes.

OMIM
Classification: Pathogenic for TRICHOTHIODYSTROPHY 1, PHOTOSENSITIVE. Last evaluated: 2001-03-01. Review status: no assertion criteria provided. Collection method: literature only. Allele origin: germline. Not counted in ClinVar's aggregate classification.

Literature cited by the submitters: PubMed 8571952 (cited by 3 submitters); PubMed 11242112 (cited by Labcorp Genetics (formerly Invitae), Labcorp and OMIM); PubMed 35599849 (cited by Labcorp Genetics (formerly Invitae), Labcorp); PubMed 12820975 (cited by Labcorp Genetics (formerly Invitae), Labcorp); PubMed 25431422 (cited by Labcorp Genetics (formerly Invitae), Labcorp); PubMed 9238033 (cited by Labcorp Genetics (formerly Invitae), Labcorp); PubMed 11585917 (cited by Labcorp Genetics (formerly Invitae), Labcorp); PubMed 11734544 (cited by 3billion).